The following is an entry in ClinVar:

NM_000393.5(COL5A2):c.856G>A (p.Ala286Thr)

Gene: COL5A2 (collagen type V alpha 2 chain; minus strand). Cytogenetic location: 2q32.2.
Variant type: single nucleotide variant.
Coding change: c.856G>A on transcript NM_000393.5 (MANE Select); coding-DNA position 856, G replaced by A.
Protein change: p.Ala286Thr; replaces alanine 286 with threonine.
Molecular consequence: missense variant.
Genome position (GRCh38, 1-based): chr2:189,081,040, C>T on the plus strand (G>A on the coding strand, the complement: COL5A2 is on the minus strand). VCF-style: chr2-189081040-C-T. GRCh37 (hg19) VCF-style: chr2-189945766-C-T.
Other names: short protein forms A286T.
Identifiers: ClinVar variation 864319 (VCV000864319.13), dbSNP rs146648810, ClinGen allele CA2022924.
Genomic context (GRCh38, chr2:189,081,040, plus strand): 5'-TTGAACTTACTCGGTGACCCTTCAGACCTGGAAGACCAGGAGCCCCAGGAAATCCACGAG[C>T]TCCCTGGGAGGAAAACATAGATAGGGCATTTTACAGTCATTAATAAGGATGCAAAATTCC-3'
Protein context (NP_000384.2, residues 276-296): GEVGFAGSPG[Ala286Thr]RGFPGAPGLP

ClinVar aggregate classification (germline): Uncertain significance. Review status: criteria provided, multiple submitters, no conflicts (2 of 4 stars). 3 submissions from 3 submitters: Uncertain significance (3). Last evaluated 2025-10-17.

Conditions:
Ehlers-Danlos syndrome, classic type, 2 (EDSCL2). Also called: Ehlers-Danlos syndrome, type 2; Ehlers-Danlos Syndrome, Classic Type, COL5A2-Related; Ehlers-Danlos syndrome type 2 (formerly). Identifiers: Orphanet 287, Orphanet 90318, MedGen C0268336, MONDO:0019568, OMIM 130010.
Ehlers-Danlos syndrome, classic type, 1 (EDSCL1). Also called: Ehlers-Danlos syndrome, type 1; Ehlers-Danlos Syndrome, Classic Type, COL5A1-Related; EDS I; EHLERS-DANLOS SYNDROME, GRAVIS TYPE; EHLERS-DANLOS SYNDROME, SEVERE CLASSIC TYPE. Identifiers: MedGen C0268335, MONDO:0019567, OMIM 130000.

Allele frequency attached by ClinVar (database versions not stated): TOPMed 0.00001; gnomAD exomes 0.00002 and 0.00004; ESP Exome Variant Server 0.00015; gnomAD 0.00001; ExAC 0.00002.
gnomAD v4.1: 62 of 1,613,040 alleles (0.0038%); highest among the groups gnomAD compares: Non-Finnish European, 0.0048%; no homozygotes.

Submissions (3):

Labcorp Genetics (formerly Invitae), Labcorp
Classification: Uncertain significance for Ehlers-Danlos syndrome, classic type, 1. Last evaluated: 2025-10-17. Review status: criteria provided, single submitter. Criteria: Invitae Variant Classification Sherloc (09022015). Collection method: clinical testing. Allele origin: germline.
Comment: This sequence change replaces alanine, which is neutral and non-polar, with threonine, which is neutral and polar, at codon 286 of the COL5A2 protein (p.Ala286Thr). This variant is present in population databases (rs146648810, gnomAD 0.005%). This variant has not been reported in the literature in individuals affected with COL5A2-related conditions. ClinVar contains an entry for this variant (Variation ID: 864319). Invitae Evidence Modeling of protein sequence and biophysical properties (such as structural, functional, and spatial information, amino acid conservation, physicochemical variation, residue mobility, and thermodynamic stability) indicates that this missense variant is not expected to disrupt COL5A2 protein function with a negative predictive value of 80%. In summary, the available evidence is currently insufficient to determine the role of this variant in disease. Therefore, it has been classified as a Variant of Uncertain Significance.

ARUP Laboratories, Molecular Genetics and Genomics, ARUP Laboratories
Classification: Uncertain significance for Ehlers-Danlos syndrome, classic type, 2. Last evaluated: 2025-07-03. Review status: criteria provided, single submitter. Criteria: ARUP Molecular Germline Variant Investigation Process 2024. Collection method: clinical testing. Allele origin: germline.
Comment: The COL5A2 c.856G>A; p.Ala286Thr variant (rs146648810), to our knowledge, is not reported in the medical literature but is reported in ClinVar (Variation ID: 864319). This variant is found in the non-Finnish European population with an allele frequency of 0.005% (6/113698 alleles) in the Genome Aggregation Database (v2.1.1). Computational analyses are uncertain whether this variant is neutral or deleterious (REVEL: 0.358). Due to limited information, the clinical significance of this variant is uncertain at this time.

Women's Health and Genetics/Laboratory Corporation of America, LabCorp
Classification: Uncertain significance. Last evaluated: 2024-04-16. Review status: criteria provided, single submitter. Criteria: LabCorp Variant Classification Summary - May 2015. Collection method: clinical testing. Allele origin: germline.
Comment: Variant summary: COL5A2 c.856G>A (p.Ala286Thr) results in a non-conservative amino acid change in the encoded protein sequence. Four of five in-silico tools predict a damaging effect of the variant on protein function. The variant allele was found at a frequency of 2.4e-05 in 251316 control chromosomes (gnomAD). The available data on variant occurrences in the general population are insufficient to allow any conclusion about variant significance. To our knowledge, no occurrence of c.856G>A in individuals affected with Ehlers-Danlos Syndrome and no experimental evidence demonstrating its impact on protein function have been reported. ClinVar contains an entry for this variant (Variation ID: 864319). Based on the evidence outlined above, the variant was classified as uncertain significance.